The following is an entry in ClinVar:

ClinVar aggregate classification (germline): Likely pathogenic (1 of 4 stars; one submission).

Conditions:
Alstrom syndrome (ALMS). Identifiers: Orphanet 64, MedGen C0268425, MONDO:0008763, OMIM 203800.

Submission:

Natera, Inc.
Classification: Likely pathogenic for Alstrom syndrome. Last evaluated: 2025-06-06. Review status: criteria provided, single submitter. Criteria: Natera Variant Classification Schema (03/2026). Collection method: clinical testing. Allele origin: germline.
Comment: The c.8785G>T variant in ALMS1 is a nonsense variant predicted to introduce a stop codon at amino acid 2929. This variant is expected to result in nonsense mediated decay, truncation, or a dysfunctional protein product. This variant is rare in the general population with a frequency below the threshold expected for the associated phenotype(s). Given the available evidence, this variant is classified as Likely Pathogenic.

NM_001378454.1(ALMS1):c.8782G>T (p.Glu2928Ter)

Gene: ALMS1 (ALMS1 centrosome and basal body associated protein; plus strand). Cytogenetic location: 2p13.1.
Variant type: single nucleotide variant.
Coding change: c.8782G>T on transcript NM_001378454.1 (MANE Select); coding-DNA position 8782, G replaced by T.
Protein change: p.Glu2928Ter; replaces glutamic acid 2928 with a stop codon.
Molecular consequence: nonsense.
Genome position (GRCh38, 1-based): chr2:73,490,741, G>T. VCF-style: chr2-73490741-G-T. GRCh37 (hg19) VCF-style: chr2-73717868-G-T.
Other names: c.8785G>T, p.Glu2929Ter (NM_015120.4); short protein forms E2928*, E2929*.
Identifiers: ClinVar variation 4815807 (VCV004815807.1).
Genomic context (GRCh38, chr2:73,490,741, plus strand): 5'-CCTCAACATCAGGATTATGTAGCTCCAGACCTTCCTTCTTGCATTTTTCTTGAACAACGA[G>T]AACTCTTTGAACAGTGCAAAGCCCCATATGTAGATCATCAAATGAGAGAAAACCATTCTC-3'